The following is an entry in ClinVar:

NM_006941.4(SOX10):c.469G>A (p.Ala157Thr)

Genes: POLR2F (RNA polymerase II, I and III subunit F; plus strand), SOX10 (SRY-box transcription factor 10; minus strand). Cytogenetic location: 22q13.1.
Variant type: single nucleotide variant.
Coding change: c.469G>A on transcript NM_006941.4 (MANE Select); coding-DNA position 469, G replaced by A.
Protein change: p.Ala157Thr; replaces alanine 157 with threonine.
Molecular consequence: missense variant. On other transcripts: intron variant (3).
Genome position (GRCh38, 1-based): chr22:37,978,095, C>T on the plus strand (G>A on the coding strand, the complement: SOX10 is on the minus strand). VCF-style: chr22-37978095-C-T. GRCh37 (hg19) VCF-style: chr22-38374102-C-T.
Other names: c.*38+5785C>T (NM_001363825.1); c.294-8059C>T (NM_001301130.2); c.293+10925C>T (NM_001301131.2); short protein forms A157T.
Identifiers: ClinVar variation 3601839 (VCV003601839.1).

ClinVar aggregate classification (germline): Likely pathogenic (1 of 4 stars; one submission).

Conditions:
Waardenburg syndrome type 4C (WS4C). Also called: WAARDENBURG SYNDROME WITH HIRSCHSPRUNG DISEASE, TYPE 4C. Identifiers: Orphanet 897, MedGen C2750452, MONDO:0013202, OMIM 613266.

Submission:

Institute of Rare Diseases, West China Hospital, Sichuan University
Classification: Likely pathogenic for Waardenburg syndrome type 4C. Last evaluated: 2025-01-09. Review status: criteria provided, single submitter. Criteria: ClinGen HL ACMG Specifications v1. Collection method: research. Allele origin: germline. Affected: yes.
Comment: PM1;PM5;PM2_Supporting;PP3